The following is an entry in ClinVar:

ClinVar aggregate classification (germline): Benign. Review status: criteria provided, multiple submitters, no conflicts (2 of 4 stars). 9 submissions from 8 submitters: Benign (7). 2 of the submissions do not count toward it. Last evaluated 2026-02-03.

Conditions:
Cerebral arteriopathy, autosomal recessive, with subcortical infarcts and leukoencephalopathy 2. Also called: CEREBROVASCULAR DISEASE WITH THIN SKIN, ALOPECIA, AND DISC DISEASE; CARASIL syndrome; MAEDA SYNDROME; SUBCORTICAL VASCULAR ENCEPHALOPATHY, PROGRESSIVE; Cerebral autosomal recessive arteriopathy with subcortical infarcts and leukoencephalopathy. Identifiers: Orphanet 199354, MedGen C6022615, MONDO:0010829, OMIM 600142.
Cerebral arteriopathy, autosomal dominant, with subcortical infarcts and leukoencephalopathy, type 2 (CADASIL2). Identifiers: MedGen C4225211, MONDO:0014768, OMIM 616779.
Macular degeneration. Also called: Degenerative disorder of macula. Identifiers: MedGen C0024437, MONDO:0003004, HP:0000608.

Allele frequency attached by ClinVar (database versions not stated): gnomAD exomes 0.61249 and 0.60273; 1000 Genomes Project 0.62800; TOPMed 0.63104; ExAC 0.61125; 1000 Genomes Project 30x 0.63304; gnomAD 0.63451 and 0.63755; ESP Exome Variant Server 0.65062.
gnomAD v4.1: 960,015 of 1,560,700 alleles (62%); highest among the groups gnomAD compares: African/African-American, 70%; 297,242 homozygotes.

Submissions (9):

Labcorp Genetics (formerly Invitae), Labcorp
Classification: Benign. Last evaluated: 2026-02-03. Review status: criteria provided, single submitter. Criteria: Invitae Variant Classification Sherloc (09022015). Collection method: clinical testing. Allele origin: germline.

Blueprint Genetics
Classification: Benign. Last evaluated: 2024-11-27. Review status: criteria provided, single submitter. Criteria: ACMG Guidelines, 2015. Collection method: clinical testing. Allele origin: germline.

Genome-Nilou Lab
Classification: Benign for Cerebral arteriopathy, autosomal recessive, with subcortical infarcts and leukoencephalopathy 2. Last evaluated: 2021-08-10. Review status: criteria provided, single submitter. Criteria: ACMG Guidelines, 2015. Collection method: clinical testing. Allele origin: germline. Affected: no.

Genome-Nilou Lab
Classification: Benign for Cerebral arteriopathy, autosomal dominant, with subcortical infarcts and leukoencephalopathy, type 2. Last evaluated: 2021-08-10. Review status: criteria provided, single submitter. Criteria: ACMG Guidelines, 2015. Collection method: clinical testing. Allele origin: germline. Affected: no.

GeneDx
Classification: Benign. Last evaluated: 2018-11-12. Review status: criteria provided, single submitter. Criteria: GeneDx Variant Classification Process June 2021. Collection method: clinical testing. Allele origin: germline. Affected: yes.

Illumina Laboratory Services, Illumina
Classification: Benign for Macular degeneration. Last evaluated: 2018-01-12. Review status: criteria provided, single submitter. Criteria: ICSL Variant Classification Criteria 13 December 2019. Collection method: clinical testing. Allele origin: germline.
Comment: This variant was observed in the ICSL laboratory as part of a predisposition screen in an ostensibly healthy population. It had not been previously curated by ICSL or reported in the Human Gene Mutation Database (HGMD: prior to June 1st, 2018), and was therefore a candidate for classification through an automated scoring system. Utilizing variant allele frequency, disease prevalence and penetrance estimates, and inheritance mode, an automated score was calculated to assess if this variant is too frequent to cause the disease. Based on the score and internal cut-off values, a variant classified as benign is not then subjected to further curation. The score for this variant resulted in a classification of benign for this disease.

Breakthrough Genomics
Classification: Benign. Review status: criteria provided, single submitter. Criteria: ACMG Guidelines, 2015. Collection method: not provided. Allele origin: germline. Inheritance: Autosomal recessive inheritance. Affected: yes.

Diagnostic Laboratory, Department of Genetics, University Medical Center Groningen
Classification: Benign. Review status: no assertion criteria provided. Collection method: clinical testing. Allele origin: germline. Affected: yes. Study: VKGL Data-share Consensus. Not counted in ClinVar's aggregate classification.

Genome Diagnostics Laboratory, Amsterdam University Medical Center
Classification: Benign. Review status: no assertion criteria provided. Collection method: clinical testing. Allele origin: germline. Affected: yes. Study: VKGL Data-share Consensus. Not counted in ClinVar's aggregate classification.

NM_002775.5(HTRA1):c.1274+14G>A

Gene: HTRA1 (HtrA serine peptidase 1; plus strand). Cytogenetic location: 10q26.13.
Variant type: single nucleotide variant.
Coding change: c.1274+14G>A on transcript NM_002775.5 (MANE Select); 14 bases into the intron after coding-DNA position 1274, G replaced by A.
Molecular consequence: intron variant.
Genome position (GRCh38, 1-based): chr10:122,512,079, G>A. VCF-style: chr10-122512079-G-A. GRCh37 (hg19) VCF-style: chr10-124271595-G-A.
Identifiers: ClinVar variation 299055 (VCV000299055.25), dbSNP rs2272599, ClinGen allele CA5726128.